The following is an entry in ClinVar:

ClinVar aggregate classification (germline): Uncertain significance. Review status: criteria provided, multiple submitters, no conflicts (2 of 4 stars). 3 submissions from 3 submitters: Uncertain significance (3). Last evaluated 2025-12-12.

Conditions:
Hypertrophic cardiomyopathy. Also called: HYPERTROPHIC MYOCARDIOPATHY. Identifiers: Orphanet 217569, MedGen C0007194, MeSH D002312, MONDO:0005045, HP:0001639.
Cardiovascular phenotype. Identifiers: MedGen CN230736.

Submissions (3):

Labcorp Genetics (formerly Invitae), Labcorp
Classification: Uncertain significance for Hypertrophic cardiomyopathy. Last evaluated: 2025-12-12. Review status: criteria provided, single submitter. Criteria: Invitae Variant Classification Sherloc (09022015). Collection method: clinical testing. Allele origin: germline.
Comment: This variant, c.1630_1632del, results in the deletion of 1 amino acid(s) of the MYBPC3 protein (p.Lys544del), but otherwise preserves the integrity of the reading frame. This variant is not present in population databases (gnomAD no frequency). This variant has not been reported in the literature in individuals affected with MYBPC3-related conditions. ClinVar contains an entry for this variant (Variation ID: 520369). Experimental studies and prediction algorithms are not available or were not evaluated, and the functional significance of this variant is currently unknown. In summary, the available evidence is currently insufficient to determine the role of this variant in disease. Therefore, it has been classified as a Variant of Uncertain Significance.

All of Us Research Program, National Institutes of Health
Classification: Uncertain significance for Hypertrophic cardiomyopathy. Last evaluated: 2023-12-13. Review status: criteria provided, single submitter. Criteria: ACMG Guidelines, 2015. Collection method: clinical testing. Allele origin: germline. Inheritance: Autosomal dominant inheritance. Observed: 1 variant allele, 1 heterozygote.
Comment: This variant causes an in-frame deletion of one amino acid of the MYBPC3 protein. To our knowledge, functional studies have not been reported for this variant. This variant has not been reported in individuals affected with MYBPC3-related disorders in the literature. This variant has not been identified in the general population by the Genome Aggregation Database (gnomAD). The available evidence is insufficient to determine the role of this variant in disease conclusively. Therefore, this variant is classified as a Variant of Uncertain Significance.

This study involves interpretation of variants in research participants for the purpose of population health screening. Participant phenotype was not available at the time of variant classification. Additional details can be found in publication PMID: 35346344, PMCID: PMC8962531

Ambry Genetics
Classification: Uncertain significance for Cardiovascular phenotype. Last evaluated: 2017-08-24. Review status: criteria provided, single submitter. Criteria: Ambry Variant Classification Scheme 2023. Collection method: clinical testing. Allele origin: germline.
Comment: The c.1630_1632delAAG variant (also known as p.K544del) is located in coding exon 18 of the MYBPC3 gene. This variant results from an in-frame deletion of three nucleotides at positions 1630 to 1632. This results in the deletion of a lysine at codon 544. This amino acid position is not well conserved in available vertebrate species. Since supporting evidence is limited at this time, the clinical significance of this alteration remains unclear.

NM_000256.3(MYBPC3):c.1627AAG[1] (p.Lys544del)

Gene: MYBPC3 (myosin binding protein C3; minus strand). Cytogenetic location: 11p11.2.
Variant type: Microsatellite.
Coding change: c.1627AAG[1] on transcript NM_000256.3 (MANE Select); one copy of the 3-base unit AAG starting at c.1627; the reference has two copies in a row; one copy, 3 bases deleted.
Protein change: p.Lys544del; deletes lysine 544.
Molecular consequence: inframe deletion.
Genome position (GRCh38, 1-based): chr11:47,342,149-47,342,151, CTT deleted on the plus strand (AAG on the coding strand, the reverse complement: MYBPC3 is on the minus strand); deleting any 3 consecutive bases within chr11:47,342,149-47,342,154 gives the same sequence; the position shown is the placement nearest the transcript's 3' end. VCF-style (leftmost placement, unchanged base first): chr11-47342148-GCTT-G. GRCh37 (hg19) VCF-style: chr11-47363699-GCTT-G.
Other names: c.1630_1632delAAG (NM_000256.3); short protein forms K544del.
Identifiers: ClinVar variation 520369 (VCV000520369.8), dbSNP rs1555122097, ClinGen allele CA658797631.
Genomic context (GRCh38, chr11:47,342,148, plus strand): 5'-TGAACACCGCCTGGTCCTTTGCGCCCACCATCAGGTCTGCGATGCTCTGGTACACCTCCA[GCTT>G]CTTTTCTGCAGGGCAGGGCAGAGCCATTGAGCTCGGGAGGGTGTGTGGGTGTGGCGTGAA-3'